The following is an entry in ClinVar:

ClinVar aggregate classification (germline): Pathogenic. Review status: reviewed by expert panel (3 of 4 stars). 5 submissions from 5 submitters: Pathogenic (1). 4 of the submissions do not count toward it. Last evaluated 2016-10-18.

Conditions:
Hereditary cancer-predisposing syndrome. Also called: Hereditary neoplastic syndrome; Neoplastic Syndromes, Hereditary; Tumor predisposition; Hereditary Cancer Syndrome. Identifiers: Orphanet 140162, MedGen C0027672, MeSH D009386, MONDO:0015356.
Breast-ovarian cancer, familial, susceptibility to, 2 (BROVCA2). Also called: BRCA2 Hereditary Breast and Ovarian Cancer. Identifiers: Orphanet 145, MedGen C2675520, MONDO:0012933, OMIM 612555. Disease mechanism: loss of function.
Hereditary breast ovarian cancer syndrome. Also called: BRCA1- and BRCA2-Associated Hereditary Breast and Ovarian Cancer; Hereditary breast and ovarian cancer; Breast and ovarian cancer; Hereditary breast and/or ovarian cancer syndrome; Hereditary breast and ovarian cancer syndrome; Hereditary breast and ovarian cancer syndrome (HBOC). Identifiers: Orphanet 145, MedGen C0677776, MeSH D061325, MONDO:0003582. Disease mechanism: loss of function.

Submissions (5):

Evidence-based Network for the Interpretation of Germline Mutant Alleles (ENIGMA)
Classification: Pathogenic for Breast-ovarian cancer, familial, susceptibility to, 2. Last evaluated: 2016-10-18. Review status: reviewed by expert panel. Criteria: ENIGMA BRCA1/2 Classification Criteria (2015). Collection method: curation. Allele origin: germline.
Comment: Variant allele predicted to encode a truncated non-functional protein.

Labcorp Genetics (formerly Invitae), Labcorp
Classification: Pathogenic for Hereditary breast ovarian cancer syndrome. Last evaluated: 2023-06-02. Review status: criteria provided, single submitter. Criteria: Invitae Variant Classification Sherloc (09022015). Collection method: clinical testing. Allele origin: germline. Not counted in ClinVar's aggregate classification.
Comment: For these reasons, this variant has been classified as Pathogenic. ClinVar contains an entry for this variant (Variation ID: 266908). This premature translational stop signal has been observed in individual(s) with BRCA2-related conditions (PMID: 29446198). This variant is not present in population databases (gnomAD no frequency). This sequence change creates a premature translational stop signal (p.Ser1989*) in the BRCA2 gene. It is expected to result in an absent or disrupted protein product. Loss-of-function variants in BRCA2 are known to be pathogenic (PMID: 20104584).

Ambry Genetics
Classification: Pathogenic for Hereditary cancer-predisposing syndrome. Last evaluated: 2023-04-27. Review status: criteria provided, single submitter. Criteria: Ambry Variant Classification Scheme 2023. Collection method: clinical testing. Allele origin: germline. Not counted in ClinVar's aggregate classification.
Comment: The p.S1989* pathogenic mutation (also known as c.5966C>G), located in coding exon 10 of the BRCA2 gene, results from a C to G substitution at nucleotide position 5966. This changes the amino acid from a serine to a stop codon within coding exon 10. This mutation has been identified in one German family and classified as pathogenic in the Consortium of Investigators of Modifiers of BRCA1/2 (CIMBA) database (Rebbeck TR et al. Hum. Mutat., 2018 May;39:593-620). In addition to the clinical data presented in the literature, this alteration is expected to result in loss of function by premature protein truncation or nonsense-mediated mRNA decay. As such, this alteration is interpreted as a disease-causing mutation.

Women's Health and Genetics/Laboratory Corporation of America, LabCorp
Classification: Pathogenic for Hereditary breast ovarian cancer syndrome. Last evaluated: 2023-02-27. Review status: criteria provided, single submitter. Criteria: LabCorp Variant Classification Summary - May 2015. Collection method: clinical testing. Allele origin: germline. Not counted in ClinVar's aggregate classification.
Comment: Variant summary: BRCA2 c.5966C>G (p.Ser1989X) results in a premature termination codon, predicted to cause a truncation of the encoded protein or absence of the protein due to nonsense mediated decay, which are commonly known mechanisms for disease. Truncations downstream of this position have been classified as pathogenic by our laboratory. The variant was absent in 250616 control chromosomes (gnomAD). c.5966C>G has been reported in the literature in individuals affected with Hereditary Breast And Ovarian Cancer Syndrome (example: Rebbeck_2018 and Yadav_2020). To our knowledge, no experimental evidence demonstrating an impact on protein function has been reported. A different variant with the same amino acid consequence (c.5966C>A, p.1989*) is reported pathogenic in ClinVar. Three submitters, including an expert panel (ENIGMA) have provided clinical-significance assessments for this variant to ClinVar after 2014 and all classified the variant as pathogenic. Based on the evidence outlined above, the variant was classified as pathogenic.

Consortium of Investigators of Modifiers of BRCA1/2 (CIMBA), c/o University of Cambridge
Classification: Pathogenic for Breast-ovarian cancer, familial, susceptibility to, 2. Last evaluated: 2015-10-02. Review status: criteria provided, single submitter. Criteria: CIMBA Mutation Classification guidelines May 2016. Collection method: clinical testing. Allele origin: germline. Not counted in ClinVar's aggregate classification.

Literature cited by the submitters: PubMed 29446198 (cited by 3 submitters); PubMed 20104584 (cited by Labcorp Genetics (formerly Invitae), Labcorp); PubMed 32125938 (cited by Women's Health and Genetics/Laboratory Corporation of America, LabCorp); PubMed 34979999 (cited by Women's Health and Genetics/Laboratory Corporation of America, LabCorp).

NM_000059.4(BRCA2):c.5966C>G (p.Ser1989Ter)

Gene: BRCA2 (BRCA2 DNA repair associated; plus strand). Cytogenetic location: 13q13.1.
Variant type: single nucleotide variant.
Coding change: c.5966C>G on transcript NM_000059.4 (MANE Select); coding-DNA position 5966, C replaced by G.
Protein change: p.Ser1989Ter; replaces serine 1989 with a stop codon.
Molecular consequence: nonsense.
Genome position (GRCh38, 1-based): chr13:32,340,321, C>G. VCF-style: chr13-32340321-C-G. GRCh37 (hg19) VCF-style: chr13-32914458-C-G.
Other names: 6194C>G; short protein forms S1989*.
Identifiers: ClinVar variation 266908 (VCV000266908.13), dbSNP rs886038134, ClinGen allele CA10589339.